The following is an entry in ClinVar:

NM_182746.3(MCM4):c.1972T>C (p.Tyr658His)

Gene: MCM4 (minichromosome maintenance complex component 4; plus strand). Cytogenetic location: 8q11.21.
Variant type: single nucleotide variant.
Coding change: c.1972T>C on transcript NM_182746.3 (MANE Select); coding-DNA position 1972, T replaced by C.
Protein change: p.Tyr658His; replaces tyrosine 658 with histidine.
Molecular consequence: missense variant.
Genome position (GRCh38, 1-based): chr8:47,972,900, T>C. VCF-style: chr8-47972900-T-C. GRCh37 (hg19) VCF-style: chr8-48885460-T-C.
Other names: c.1972T>C, p.Tyr658His (NM_005914.4); short protein forms Y658H.
Identifiers: ClinVar variation 2768556 (VCV002768556.3), dbSNP rs2551884992, ClinGen allele CA371154164.

ClinVar aggregate classification (germline): Uncertain significance (1 of 4 stars; one submission).

Allele frequency attached by ClinVar (database versions not stated): gnomAD exomes below 0.00001.
gnomAD v4.1: 7 of 1,614,172 alleles (0.00043%); highest among the groups gnomAD compares: Non-Finnish European, 0.00059%; no homozygotes.

Submission:

Labcorp Genetics (formerly Invitae), Labcorp
Classification: Uncertain significance. Last evaluated: 2024-10-16. Review status: criteria provided, single submitter. Criteria: Invitae Variant Classification Sherloc (09022015). Collection method: clinical testing. Allele origin: germline.
Comment: This sequence change replaces tyrosine, which is neutral and polar, with histidine, which is basic and polar, at codon 658 of the MCM4 protein (p.Tyr658His). This variant is not present in population databases (gnomAD no frequency). This variant has not been reported in the literature in individuals affected with MCM4-related conditions. Invitae Evidence Modeling of protein sequence and biophysical properties (such as structural, functional, and spatial information, amino acid conservation, physicochemical variation, residue mobility, and thermodynamic stability) indicates that this missense variant is not expected to disrupt MCM4 protein function with a negative predictive value of 80%. In summary, the available evidence is currently insufficient to determine the role of this variant in disease. Therefore, it has been classified as a Variant of Uncertain Significance.